The following is an entry in ClinVar:

ClinVar aggregate classification (germline): Benign/Likely benign. Review status: criteria provided, multiple submitters, no conflicts (2 of 4 stars). 6 submissions from 6 submitters: Benign (1); Likely benign (3). 2 of the submissions do not count toward it. Last evaluated 2026-03-01.

Conditions:
EP300-related disorder. Also called: EP300-related condition; EP300-related disorders.
Rubinstein-Taybi syndrome due to EP300 haploinsufficiency. Also called: RUBINSTEIN-TAYBI SYNDROME 2; EP300-Related Rubinstein-Taybi Syndrome. Identifiers: Orphanet 353284, Orphanet 783, MedGen C3150941, MONDO:0013364, OMIM 613684.

Allele frequency attached by ClinVar (database versions not stated): ESP Exome Variant Server 0.00038; ExAC 0.00041; gnomAD exomes 0.00041; gnomAD 0.00045; 1000 Genomes Project 30x 0.00047; 1000 Genomes Project 0.00060; TOPMed 0.00065.
gnomAD v4.1: 1,212 of 1,614,116 alleles (0.075%); highest among the groups gnomAD compares: Non-Finnish European, 0.094%; no homozygotes.

Submissions (6):

CeGaT Center for Human Genetics Tuebingen
Classification: Likely benign. Last evaluated: 2026-03-01. Review status: criteria provided, single submitter. Criteria: CeGaT Center For Human Genetics Tuebingen Variant Classification Criteria Version 2. Collection method: clinical testing. Allele origin: germline. Affected: yes. Observed: 5 variant alleles.
Comment: EP300: BP4, BP7

Labcorp Genetics (formerly Invitae), Labcorp
Classification: Likely benign for Rubinstein-Taybi syndrome due to EP300 haploinsufficiency. Last evaluated: 2025-11-11. Review status: criteria provided, single submitter. Criteria: Invitae Variant Classification Sherloc (09022015). Collection method: clinical testing. Allele origin: germline.

Blueprint Genetics
Classification: Likely benign. Last evaluated: 2024-11-13. Review status: criteria provided, single submitter. Criteria: ACMG Guidelines, 2015. Collection method: clinical testing. Allele origin: germline.

GeneDx
Classification: Benign. Last evaluated: 2020-01-08. Review status: criteria provided, single submitter. Criteria: GeneDx Variant Classification Process June 2021. Collection method: clinical testing. Allele origin: germline. Affected: yes.

Genetic Services Laboratory, University of Chicago
Classification: Likely benign. Last evaluated: 2022-04-29. Review status: no assertion criteria provided. Collection method: clinical testing. Allele origin: germline. Affected: no. Not counted in ClinVar's aggregate classification.

PreventionGenetics, part of Exact Sciences
Classification: Likely benign for EP300-related condition. Last evaluated: 2021-06-15. Review status: no assertion criteria provided. Collection method: clinical testing. Allele origin: germline. Not counted in ClinVar's aggregate classification.
Comment: This variant is classified as likely benign based on ACMG/AMP sequence variant interpretation guidelines (Richards et al. 2015 PMID: 25741868, with internal and published modifications).

NM_001429.4(EP300):c.6417C>T (p.Gly2139=)

Gene: EP300 (EP300 lysine acetyltransferase; plus strand). Cytogenetic location: 22q13.2.
Variant type: single nucleotide variant.
Coding change: c.6417C>T on transcript NM_001429.4 (MANE Select); coding-DNA position 6417, C replaced by T.
Protein change: p.Gly2139=; no amino-acid change (glycine 2139 retained).
Molecular consequence: synonymous variant.
Genome position (GRCh38, 1-based): chr22:41,178,128, C>T. VCF-style: chr22-41178128-C-T. GRCh37 (hg19) VCF-style: chr22-41574132-C-T.
Other names: c.6339C>T, p.Gly2113= (NM_001362843.2).
Identifiers: ClinVar variation 341823 (VCV000341823.43), dbSNP rs111315183, ClinGen allele CA10253850.